The following is an entry in ClinVar:

NM_177972.3(TUB):c.350G>A (p.Gly117Glu)

Genes: RIC3 (RIC3 acetylcholine receptor chaperone; minus strand), TUB (TUB bipartite transcription factor; plus strand). Cytogenetic location: 11p15.4.
Variant type: single nucleotide variant.
Coding change: c.350G>A on transcript NM_177972.3 (MANE Select); coding-DNA position 350, G replaced by A.
Protein change: p.Gly117Glu; replaces glycine 117 with glutamic acid.
Molecular consequence: missense variant. On other transcripts: non-coding transcript variant (1).
Genome position (GRCh38, 1-based): chr11:8,094,142, G>A. VCF-style: chr11-8094142-G-A. GRCh37 (hg19) VCF-style: chr11-8115689-G-A.
Other names: c.515G>A, p.Gly172Glu (NM_003320.5); short protein forms G117E, G172E.
Identifiers: ClinVar variation 1056664 (VCV001056664.9), dbSNP rs1338943201, ClinGen allele CA379564862.

ClinVar aggregate classification (germline): Uncertain significance (1 of 4 stars; one submission).

Allele frequency attached by ClinVar (database versions not stated): gnomAD exomes below 0.00001.
gnomAD v4.1: 2 of 1,614,114 alleles (0.00012%); highest among the groups gnomAD compares: African/African-American, 0.0013%; no homozygotes.

Submission:

Labcorp Genetics (formerly Invitae), Labcorp
Classification: Uncertain significance. Last evaluated: 2025-03-17. Review status: criteria provided, single submitter. Criteria: Invitae Variant Classification Sherloc (09022015). Collection method: clinical testing. Allele origin: germline.
Comment: This sequence change replaces glycine, which is neutral and non-polar, with glutamic acid, which is acidic and polar, at codon 172 of the TUB protein (p.Gly172Glu). This variant is present in population databases (no rsID available, gnomAD 0.0009%). This variant has not been reported in the literature in individuals affected with TUB-related conditions. ClinVar contains an entry for this variant (Variation ID: 1056664). An algorithm developed to predict the effect of missense changes on protein structure and function (PolyPhen-2) suggests that this variant is likely to be tolerated. In summary, the available evidence is currently insufficient to determine the role of this variant in disease. Therefore, it has been classified as a Variant of Uncertain Significance.